The following is an entry in ClinVar:

ClinVar aggregate classification (germline): Uncertain significance (1 of 4 stars; one submission).

Conditions:
POLD1-related polyposis and colorectal cancer syndrome (CRCS10). Also called: Colorectal cancer 10; COLORECTAL CANCER, SUSCEPTIBILITY TO, ON CHROMOSOME 19q; Colorectal cancer, susceptibility to, 10. Identifiers: Orphanet 220460, MedGen C2675481, MONDO:0012953, OMIM 612591.

Submission:

Labcorp Genetics (formerly Invitae), Labcorp
Classification: Uncertain significance for POLD1-related polyposis and colorectal cancer syndrome. Last evaluated: 2023-02-23. Review status: criteria provided, single submitter. Criteria: Invitae Variant Classification Sherloc (09022015). Collection method: clinical testing. Allele origin: germline.
Comment: This sequence change replaces leucine, which is neutral and non-polar, with isoleucine, which is neutral and non-polar, at codon 313 of the POLD1 protein (p.Leu313Ile). In summary, the available evidence is currently insufficient to determine the role of this variant in disease. Therefore, it has been classified as a Variant of Uncertain Significance. Advanced modeling of protein sequence and biophysical properties (such as structural, functional, and spatial information, amino acid conservation, physicochemical variation, residue mobility, and thermodynamic stability) performed at Invitae indicates that this missense variant is not expected to disrupt POLD1 protein function. ClinVar contains an entry for this variant (Variation ID: 941829). This variant has not been reported in the literature in individuals affected with POLD1-related conditions. This variant is not present in population databases (gnomAD no frequency).

NM_002691.4(POLD1):c.937C>A (p.Leu313Ile)

Gene: POLD1 (DNA polymerase delta 1, catalytic subunit; plus strand). Cytogenetic location: 19q13.33.
Variant type: single nucleotide variant.
Coding change: c.937C>A on transcript NM_002691.4 (MANE Select); coding-DNA position 937, C replaced by A.
Protein change: p.Leu313Ile; replaces leucine 313 with isoleucine.
Molecular consequence: missense variant. On other transcripts: non-coding transcript variant (1).
Genome position (GRCh38, 1-based): chr19:50,402,708, C>A. VCF-style: chr19-50402708-C-A. GRCh37 (hg19) VCF-style: chr19-50905965-C-A.
Other names: c.937C>A, p.Leu313Ile (NM_001256849.1, NM_001308632.1); short protein forms L313I.
Identifiers: ClinVar variation 941829 (VCV000941829.9), dbSNP rs2038704235, ClinGen allele CA406977258.